The following is an entry in ClinVar:

NM_016507.4(CDK12):c.1760C>G (p.Ser587Cys)

Gene: CDK12 (cyclin dependent kinase 12; plus strand). Cytogenetic location: 17q12.
Variant type: single nucleotide variant.
Coding change: c.1760C>G on transcript NM_016507.4 (MANE Select); coding-DNA position 1760, C replaced by G.
Protein change: p.Ser587Cys; replaces serine 587 with cysteine.
Molecular consequence: missense variant.
Genome position (GRCh38, 1-based): chr17:39,471,592, C>G. VCF-style: chr17-39471592-C-G. GRCh37 (hg19) VCF-style: chr17-37627845-C-G.
Other names: c.1760C>G, p.Ser587Cys (NM_015083.4); short protein forms S587C.
Identifiers: ClinVar variation 3489227 (VCV003489227.1).

ClinVar aggregate classification (germline): Uncertain significance (1 of 4 stars; one submission).

gnomAD v4.1: 12 of 1,614,150 alleles (0.00074%); highest among the groups gnomAD compares: East Asian, 0.025%; no homozygotes.

Submission:

Ambry Genetics
Classification: Uncertain significance. Last evaluated: 2024-11-21. Review status: criteria provided, single submitter. Criteria: Ambry Variant Classification Scheme 2023. Collection method: clinical testing. Allele origin: germline.
Comment: The p.S587C variant (also known as c.1760C>G), located in coding exon 2 of the CDK12 gene, results from a C to G substitution at nucleotide position 1760. The serine at codon 587 is replaced by cysteine, an amino acid with dissimilar properties. This amino acid position is conserved. In addition, this alteration is predicted to be tolerated by in silico analysis. Based on the available evidence, the clinical significance of this variant remains unclear.